The following is an entry in ClinVar:

ClinVar aggregate classification (germline): Uncertain significance (1 of 4 stars; one submission).

Conditions:
Primary ciliary dyskinesia 30. Also called: CILIARY DYSKINESIA, PRIMARY, 30, WITH OR WITHOUT SITUS INVERSUS. Identifiers: Orphanet 244, MedGen C4015016, MONDO:0014465, OMIM 616037.

Submission:

Labcorp Genetics (formerly Invitae), Labcorp
Classification: Uncertain significance for Primary ciliary dyskinesia 30. Last evaluated: 2024-01-18. Review status: criteria provided, single submitter. Criteria: Invitae Variant Classification Sherloc (09022015). Collection method: clinical testing. Allele origin: germline.
Comment: This sequence change falls in intron 3 of the CCDC151 gene. It does not directly change the encoded amino acid sequence of the CCDC151 protein. It affects a nucleotide within the consensus splice site. This variant is not present in population databases (gnomAD no frequency). This variant has not been reported in the literature in individuals affected with CCDC151-related conditions. Variants that disrupt the consensus splice site are a relatively common cause of aberrant splicing (PMID: 17576681, 9536098). Algorithms developed to predict the effect of sequence changes on RNA splicing suggest that this variant may disrupt the consensus splice site. In summary, the available evidence is currently insufficient to determine the role of this variant in disease. Therefore, it has been classified as a Variant of Uncertain Significance.

Literature cited by the submitters: PubMed 17576681; PubMed 9536098.

NM_145045.5(ODAD3):c.444+5G>A

Gene: ODAD3 (outer dynein arm docking complex subunit 3; minus strand). Cytogenetic location: 19p13.2.
Variant type: single nucleotide variant.
Coding change: c.444+5G>A on transcript NM_145045.5 (MANE Select); 5 bases into the intron after coding-DNA position 444, G replaced by A.
Molecular consequence: intron variant.
Genome position (GRCh38, 1-based): chr19:11,430,694, C>T on the plus strand (G>A on the coding strand, the complement: ODAD3 is on the minus strand). VCF-style: chr19-11430694-C-T. GRCh37 (hg19) VCF-style: chr19-11541514-C-T.
Other names: c.282+5G>A (NM_001302453.1); c.366+205G>A (NM_001302454.2).
Identifiers: ClinVar variation 2700947 (VCV002700947.3), dbSNP rs2512487223, ClinGen allele CA2582530196.